The following is an entry in ClinVar:

NM_032043.3(BRIP1):c.3525dup (p.Ile1176fs)

Gene: BRIP1 (BRCA1 interacting DNA helicase 1; minus strand). Cytogenetic location: 17q23.2.
Variant type: Duplication.
Coding change: c.3525dup on transcript NM_032043.3 (MANE Select); coding-DNA position 3525, one base duplicated (T; older notation c.3525dupT).
Protein change: p.Ile1176fs; shifts the reading frame from isoleucine 1176.
Molecular consequence: frameshift variant.
Genome position (GRCh38, 1-based): chr17:61,683,521, A duplicated on the plus strand (T on the coding strand, the reverse complement: BRIP1 is on the minus strand). VCF-style (leftmost placement, unchanged base first): chr17-61683520-T-TA. GRCh37 (hg19) VCF-style: chr17-59760881-T-TA.
Other names: c.3525dupT (NM_032043.2); short protein forms I1176fs.
Identifiers: ClinVar variation 216799 (VCV000216799.30), dbSNP rs777367075, ClinGen allele CA336450.

ClinVar aggregate classification (germline): Uncertain significance. Review status: criteria provided, multiple submitters, no conflicts (2 of 4 stars). 7 submissions from 7 submitters: Uncertain significance (7). Last evaluated 2026-01-27.

Conditions:
BRIP1-related disorder. Also called: BRIP1-related condition; BRIP1-related disorders. Identifiers: MedGen CN239206.
Hereditary cancer-predisposing syndrome. Also called: Neoplastic Syndromes, Hereditary; Tumor predisposition; Hereditary Cancer Syndrome; Hereditary neoplastic syndrome. Identifiers: Orphanet 140162, MedGen C0027672, MeSH D009386, MONDO:0015356.
Fanconi anemia complementation group J. Also called: BRIP1-Related Fanconi Anemia. Identifiers: Orphanet 84, MedGen C1836860, MONDO:0012187, OMIM 609054.
Familial cancer of breast. Also called: hereditary breast carcinoma; BREAST CANCER, FAMILIAL; Hereditary breast cancer. Identifiers: Orphanet 227535, MedGen C0346153, MONDO:0016419, OMIM 114480. Disease mechanism: loss of function.

Allele frequency attached by ClinVar (database versions not stated): gnomAD exomes below 0.00001 and 0.00001; ExAC 0.00001; gnomAD 0.00001; TOPMed 0.00002.

Submissions (7):

Labcorp Genetics (formerly Invitae), Labcorp
Classification: Uncertain significance for Familial cancer of breast; Fanconi anemia complementation group J. Last evaluated: 2026-01-27. Review status: criteria provided, single submitter. Criteria: Invitae Variant Classification Sherloc (09022015). Collection method: clinical testing. Allele origin: germline.
Comment: This sequence change creates a premature translational stop signal (p.Ile1176Tyrfs*13) in the BRIP1 gene. While this is not anticipated to result in nonsense mediated decay, it is expected to disrupt the last 74 amino acid(s) of the BRIP1 protein. This variant is present in population databases (rs777367075, gnomAD 0.008%). This premature translational stop signal has been observed in individual(s) with breast cancer and/or thyroid carcinoma (PMID: 26921362, 29625052). ClinVar contains an entry for this variant (Variation ID: 216799). In summary, the available evidence is currently insufficient to determine the role of this variant in disease. Therefore, it has been classified as a Variant of Uncertain Significance.

PreventionGenetics, part of Exact Sciences
Classification: Uncertain significance for BRIP1-related condition. Last evaluated: 2026-01-23. Review status: criteria provided, single submitter. Criteria: ACMG Guidelines, 2015. Collection method: clinical testing. Allele origin: germline.
Comment: The BRIP1 c.3525dupT variant is predicted to result in a frameshift and premature protein termination (p.Ile1176Tyrfs*13). This variant has been reported in individuals with breast cancer, thyroid cancer, and childhood-onset acute myeloid leukemia (Table S2, Easton et al. 2016. PubMed ID: 26921362; Table S2A, Huang et al. 2018. PubMed ID: 29625052; Tables S4 & S5, Sylvester et al. 2022. PubMed ID: 34687117). This variant is located in the final coding exon of the BRIP1 gene and is note expected to trigger nonsense-mediated decay; instead, it is expected to produce a truncated protein lacking 74 C-terminal amino acids. This variant is reported in 0.0080% of alleles in individuals of African descent in gnomAD and is classified as uncertain by multiple institutions in ClinVar (Variation ID: 216799). At this time, the clinical significance of this variant is uncertain due to the absence of conclusive functional and genetic evidence.

Ambry Genetics
Classification: Uncertain significance for Hereditary cancer-predisposing syndrome. Last evaluated: 2025-04-22. Review status: criteria provided, single submitter. Criteria: Ambry Variant Classification Scheme 2023. Collection method: clinical testing. Allele origin: germline.
Comment: The c.3525dupT variant, located in coding exon 19 of the BRIP1 gene, results from a duplication of T at nucleotide position 3525, causing a translational frameshift with a predicted alternate stop codon (p.I1176Yfs*13). This alteration occurs at the 3' terminus of theBRIP1 gene, is not expected to trigger nonsense-mediated mRNA decay, and only impacts the last 74 amino acids of the protein. The exact functional impact of these altered amino acids is unknown at this time. While the C-terminal region of the BRIP1 protein has been shown by structural, biochemical, and mutational analysis to be relevant for some aspects of BRIP1 protein function (Gong Z et al. Mol. Cell, 2010 Feb;37:438-46; Leung CC et al. J. Biol. Chem. 2011 Feb; 286(6):4292-301; Xie J et al. PLoS Genet. 2012 Jul; 8(7):e1002786), functional studies have shown that truncations in the 3' terminus of BRIP1 display normal function in response to intra-strand cross-linking agents (Calvo JA et al. Mol Cancer Res, 2021 Jun;19:1015-1025). In addition, 3' truncations in BRIP1 occurring upstream of this variant have been detected in the homozygous or compound heterozygous state in individuals with no reported features of BRIP1-related Fanconi Anemia (FA-J) (Ambry internal data). This alteration has been previously identified in 1 of 13213 breast cancer cases and 0 of 5242 controls (Easton DF et al. J. Med. Genet. 2016 05;53:298-309). Based on the available evidence, the clinical significance of this variant remains unclear.

Color Diagnostics, LLC DBA Color Health
Classification: Uncertain significance for Hereditary cancer-predisposing syndrome. Last evaluated: 2024-02-26. Review status: criteria provided, single submitter. Criteria: ACMG Guidelines, 2015. Collection method: clinical testing. Allele origin: germline.
Comment: This variant inserts 1 nucleotide in exon 20 of the BRIP1 gene, creating a frameshift and premature translation stop signal in the last coding exon. This variant is expected to escape nonsense-mediated decay and be expressed as a truncated protein. This variant would disrupt acetylation at the Lys1249 residue of the BRIP1 protein, which is reported to be important for the DNA repair response (PMID: 22792074). However, the role of this post-translational modification in disease is not clearly understood. To our knowledge, functional studies have not been reported for this variant. This variant has been reported in individuals affected with breast cancer (PMID: 26921362; Color internal data) and thyroid papillary cancer (PMID: 29625052). This variant has been identified in 3/282052 chromosomes in the general population by the Genome Aggregation Database (gnomAD). Although there is a suspicion that this variant may be associated with disease, additional studies are necessary to determine the role of this variant in disease conclusively. Therefore, this variant is classified as a Variant of Uncertain Significance.

Fulgent Genetics
Classification: Uncertain significance for Familial cancer of breast; Fanconi anemia complementation group J. Last evaluated: 2024-01-17. Review status: criteria provided, single submitter. Criteria: ACMG Guidelines, 2015. Collection method: clinical testing. Allele origin: germline.

Department of Pathology and Laboratory Medicine, Sinai Health System
Classification: Uncertain significance for Familial cancer of breast. Last evaluated: 2022-08-02. Review status: criteria provided, single submitter. Criteria: ACMG Guidelines, 2015. Collection method: clinical testing. Allele origin: germline. Affected: yes.

GeneDx
Classification: Uncertain significance. Last evaluated: 2016-06-21. Review status: criteria provided, single submitter. Criteria: GeneDx Variant Classification (06012015). Collection method: clinical testing. Allele origin: germline. Affected: yes.
Comment: This duplication of one nucleotide in BRIP1 is denoted c.3525dupT at the cDNA level and p.Ile1176TyrfsX13 (I1176YfsX13) at the protein level. The normal sequence, with the base that is duplicated in braces, is GAAC[T]ATAA. The duplication causes a frameshift which changes an Isoleucine to a Tyrosine at codon 1176 in the last exon of the protein, exon 20, and creates a premature stop codon at position 13 of the new reading frame. Although this variant has not, to our knowledge, been reported in the literature, it is predicted to cause protein truncation. The last 74 amino acids of the protein are replaced by 12 incorrect amino acids, the clinical significance of which is unclear. The lost region is moderately conserved across species and is not within any known functional domain. This variant was not observed in approximately 6,500 individuals of European and African ancestry the NHLBI Exome Sequencing Project, indicating it is not a common benign variant in these populations. Based on currently available information, it is unclear whether this duplication is a pathogenic variant or a benign variant. We consider it to be a variant of uncertain significance.

Literature cited by the submitters: PubMed 26921362 (cited by 3 submitters); PubMed 29625052 (cited by Labcorp Genetics (formerly Invitae), Labcorp and Color Diagnostics, LLC DBA Color Health); PubMed 20068231 (cited by Ambry Genetics); PubMed 22792074 (cited by Ambry Genetics and Color Diagnostics, LLC DBA Color Health).